The following is an entry in ClinVar:

ClinVar aggregate classification (germline): Likely benign (1 of 4 stars; one submission).

gnomAD v4.1: 46 of 1,512,570 alleles (0.003%); highest among the groups gnomAD compares: African/African-American, 0.02%; 1 homozygote.

Submission:

CeGaT Center for Human Genetics Tuebingen
Classification: Likely benign. Last evaluated: 2026-01-01. Review status: criteria provided, single submitter. Criteria: CeGaT Center For Human Genetics Tuebingen Variant Classification Criteria Version 2. Collection method: clinical testing. Allele origin: germline. Affected: yes. Observed: 1 variant allele.
Comment: DSPP: BP4, BP7

NM_014208.3(DSPP):c.3705C>T (p.Ser1235=)

Genes: DMP1-AS1 (DMP1 and DSPP antisense RNA 1; minus strand), DSPP (dentin sialophosphoprotein; plus strand). Cytogenetic location: 4q22.1.
Variant type: single nucleotide variant.
Coding change: c.3705C>T on transcript NM_014208.3 (MANE Select); coding-DNA position 3705, C replaced by T.
Protein change: p.Ser1235=; no amino-acid change (serine 1235 retained).
Molecular consequence: synonymous variant.
Genome position (GRCh38, 1-based): chr4:87,616,367, C>T. VCF-style: chr4-87616367-C-T. GRCh37 (hg19) VCF-style: chr4-88537519-C-T.
Identifiers: ClinVar variation 4820878 (VCV004820878.4).